The following is an entry in ClinVar:

ClinVar aggregate classification (germline): Benign/Likely benign. Review status: criteria provided, multiple submitters, no conflicts (2 of 4 stars). 6 submissions from 6 submitters: Benign (2); Likely benign (4). Last evaluated 2026-01-18.

Conditions:
SPTLC2-related disorder. Also called: SPTLC2-related condition.
Inborn genetic diseases. Identifiers: MedGen C0950123, MeSH D030342.
Neuropathy, hereditary sensory and autonomic, type 1C. Also called: HSAN IC; HSN IC. Identifiers: Orphanet 36386, MedGen C3150896, MONDO:0013337, OMIM 613640.

Allele frequency attached by ClinVar (database versions not stated): gnomAD exomes 0.00037 and 0.00075; gnomAD 0.00050 and 0.00051; TOPMed 0.00050; ESP Exome Variant Server 0.00054; ExAC 0.00056.

Submissions (6):

Labcorp Genetics (formerly Invitae), Labcorp
Classification: Benign for Neuropathy, hereditary sensory and autonomic, type 1C. Last evaluated: 2026-01-18. Review status: criteria provided, single submitter. Criteria: Invitae Variant Classification Sherloc (09022015). Collection method: clinical testing. Allele origin: germline.

PreventionGenetics, part of Exact Sciences
Classification: Likely benign for SPTLC2-related condition. Last evaluated: 2024-12-02. Review status: criteria provided, single submitter. Criteria: ACMG Guidelines, 2015. Collection method: clinical testing. Allele origin: germline.
Comment: This variant is classified as likely benign based on ACMG/AMP sequence variant interpretation guidelines (Richards et al. 2015 PMID: 25741868, with internal and published modifications).

Blueprint Genetics
Classification: Likely benign. Last evaluated: 2024-09-30. Review status: criteria provided, single submitter. Criteria: ACMG Guidelines, 2015. Collection method: clinical testing. Allele origin: germline.

GeneDx
Classification: Likely benign. Last evaluated: 2021-06-18. Review status: criteria provided, single submitter. Criteria: GeneDx Variant Classification Process June 2021. Collection method: clinical testing. Allele origin: germline. Affected: yes.

Ambry Genetics
Classification: Likely benign for Inborn genetic diseases. Last evaluated: 2019-07-11. Review status: criteria provided, single submitter. Criteria: Ambry Variant Classification Scheme 2023. Collection method: clinical testing. Allele origin: germline.

Illumina Laboratory Services, Illumina
Classification: Benign for Neuropathy, hereditary sensory and autonomic, type 1C. Last evaluated: 2018-01-13. Review status: criteria provided, single submitter. Criteria: ICSL Variant Classification Criteria 13 December 2019. Collection method: clinical testing. Allele origin: germline.
Comment: This variant was observed in the ICSL laboratory as part of a predisposition screen in an ostensibly healthy population. It had not been previously curated by ICSL or reported in the Human Gene Mutation Database (HGMD: prior to June 1st, 2018), and was therefore a candidate for classification through an automated scoring system. Utilizing variant allele frequency, disease prevalence and penetrance estimates, and inheritance mode, an automated score was calculated to assess if this variant is too frequent to cause the disease. Based on the score and internal cut-off values, a variant classified as benign is not then subjected to further curation. The score for this variant resulted in a classification of benign for this disease.

NM_004863.4(SPTLC2):c.1449A>T (p.Gly483=)

Gene: SPTLC2 (serine palmitoyltransferase long chain base subunit 2; minus strand). Cytogenetic location: 14q24.3.
Variant type: single nucleotide variant.
Coding change: c.1449A>T on transcript NM_004863.4 (MANE Select); coding-DNA position 1449, A replaced by T.
Protein change: p.Gly483=; no amino-acid change (glycine 483 retained).
Molecular consequence: synonymous variant.
Genome position (GRCh38, 1-based): chr14:77,518,158, T>A on the plus strand (A>T on the coding strand, the complement: SPTLC2 is on the minus strand). VCF-style: chr14-77518158-T-A. GRCh37 (hg19) VCF-style: chr14-77984501-T-A.
Identifiers: ClinVar variation 314667 (VCV000314667.20), dbSNP rs149054777, ClinGen allele CA7289148.
Genomic context (GRCh38, chr14:77,518,158, plus strand): 5'-AATTGGGGTGGCAGGAAATCCAACCACAACGACACCGATGTTCCGCTTCAGCATCTCCCG[T>A]CCAAAGGCGCTGCAAAGGGGAAAACAAGAACAGAAACCAGGAGGAGTGAAAAAGCACTCA-3'
Protein context (NP_004854.1, residues 473-493): LYMPAKIGAF[Gly483=]REMLKRNIGV